The following is an entry in ClinVar:

ClinVar aggregate classification (germline): Likely pathogenic. Review status: criteria provided, multiple submitters, no conflicts (2 of 4 stars). 2 submissions from 2 submitters: Likely pathogenic (2). Last evaluated 2025-07-07.

Conditions:
Cataract 15 multiple types. Also called: CATARACT 15, LAMELLAR WITH SUTURAL OPACITIES. Identifiers: Orphanet 91492, MedGen C3809001, MONDO:0014110, OMIM 615274.
MIP-related disorder. Also called: MIP-related condition.

Submissions (2):

PreventionGenetics, part of Exact Sciences
Classification: Likely pathogenic for MIP-related condition. Last evaluated: 2025-07-07. Review status: criteria provided, single submitter. Criteria: ACMG Guidelines, 2015. Collection method: clinical testing. Allele origin: germline.
Comment: The MIP c.525+1G>A variant is predicted to disrupt the GT donor site and interfere with normal splicing. To our knowledge, this variant has not been reported in the literature or in a large population database (gnomAD), indicating this variant is rare. Variants that disrupt the consensus splice donor site in MIP are expected to be pathogenic. This variant is interpreted as likely pathogenic.

Labcorp Genetics (formerly Invitae), Labcorp
Classification: Likely pathogenic for Cataract 15 multiple types. Last evaluated: 2022-07-06. Review status: criteria provided, single submitter. Criteria: Invitae Variant Classification Sherloc (09022015). Collection method: clinical testing. Allele origin: germline.
Comment: This sequence change affects a donor splice site in intron 2 of the MIP gene. It is expected to disrupt RNA splicing. Variants that disrupt the donor or acceptor splice site typically lead to a loss of protein function (PMID: 16199547), and loss-of-function variants in MIP are known to be pathogenic (PMID: 24405844, 27456987). This variant is not present in population databases (gnomAD no frequency). This variant has not been reported in the literature in individuals affected with MIP-related conditions. ClinVar contains an entry for this variant (Variation ID: 944316). Algorithms developed to predict the effect of sequence changes on RNA splicing suggest that this variant may disrupt the consensus splice site. In summary, the currently available evidence indicates that the variant is pathogenic, but additional data are needed to prove that conclusively. Therefore, this variant has been classified as Likely Pathogenic.

Literature cited by the submitters: PubMed 16199547 (cited by Labcorp Genetics (formerly Invitae), Labcorp); PubMed 24405844 (cited by Labcorp Genetics (formerly Invitae), Labcorp); PubMed 27456987 (cited by Labcorp Genetics (formerly Invitae), Labcorp).

NM_012064.4(MIP):c.525+1G>A

Gene: MIP (major intrinsic protein of lens fiber; minus strand). Cytogenetic location: 12q13.3.
Variant type: single nucleotide variant.
Coding change: c.525+1G>A on transcript NM_012064.4 (MANE Select); the canonical splice donor site of the intron after coding-DNA position 525, G replaced by A.
Molecular consequence: splice donor variant.
Genome position (GRCh38, 1-based): chr12:56,453,590, C>T on the plus strand (G>A on the coding strand, the complement: MIP is on the minus strand). VCF-style: chr12-56453590-C-T. GRCh37 (hg19) VCF-style: chr12-56847374-C-T.
Identifiers: ClinVar variation 944316 (VCV000944316.9), dbSNP rs1868687508, ClinGen allele CA385271760.